The following is an entry in ClinVar:

ClinVar aggregate classification (germline): Pathogenic (1 of 4 stars; one submission).

Conditions:
Pheochromocytoma/paraganglioma syndrome 5. Also called: Paragangliomas 5; SDHA-Related Hereditary Paraganglioma-Pheochromocytoma Syndrome. Identifiers: Orphanet 29072, MedGen C3279992, MONDO:0013602, OMIM 614165.

Submission:

Department of Pediatrics, Memorial Sloan Kettering Cancer Center
Classification: Pathogenic for Pheochromocytoma/paraganglioma syndrome 5. Last evaluated: 2018-06-06. Review status: criteria provided, single submitter. Criteria: ACMG Guidelines, 2015. Collection method: clinical testing. Allele origin: germline. Inheritance: Autosomal dominant inheritance. Affected: yes. Observed: 2 variant alleles.
Comment: This mutation was observed in patients with uterus and stomach cancer. These tumors retained SDHA/B staining by IHC. Additional functional work supported this as loss of function variant. Thus it appears this is a pathogenic variant but may not play a role in the tumor genesis for these specific tumors.

NM_004168.4(SDHA):c.897_1260+1del

Gene: SDHA (succinate dehydrogenase complex flavoprotein subunit A; plus strand). Cytogenetic location: 5p15.33.
Variant type: Deletion.
Coding change: c.897_1260+1del on transcript NM_004168.4 (MANE Select); coding-DNA position 897 through the canonical splice donor site of the intron after coding-DNA position 1260, 1,863 bases deleted.
Molecular consequence: splice acceptor variant, splice donor variant.
Genome position (GRCh38, 1-based): chr5:233,478-235,340, 1,863 bases deleted. GRCh37 (hg19): chr5:233,593-235,455.
Other names: c.897_1260+1del (NM_001330758.2); c.753_1116+1del (NM_001294332.2).
Identifiers: ClinVar variation 545722 (VCV000545722.3), ClinGen allele CA891862806.